The following is an entry in ClinVar:

ClinVar aggregate classification (germline): Uncertain significance (1 of 4 stars; one submission).

Conditions:
Primary ciliary dyskinesia. Also called: Ciliary dyskinesia. Identifiers: Orphanet 244, MedGen C0008780, MONDO:0016575, HP:0012265.

gnomAD v4.1: 1 of 1,614,180 alleles (0.000062%); highest among the groups gnomAD compares: Non-Finnish European, 0.000085%; no homozygotes.

Submission:

Labcorp Genetics (formerly Invitae), Labcorp
Classification: Uncertain significance for Primary ciliary dyskinesia. Last evaluated: 2025-04-03. Review status: criteria provided, single submitter. Criteria: Invitae Variant Classification Sherloc (09022015). Collection method: clinical testing. Allele origin: germline.
Comment: This sequence change replaces isoleucine, which is neutral and non-polar, with valine, which is neutral and non-polar, at codon 407 of the CCDC40 protein (p.Ile407Val). This variant is not present in population databases (gnomAD no frequency). This variant has not been reported in the literature in individuals affected with CCDC40-related conditions. Invitae Evidence Modeling of protein sequence and biophysical properties (such as structural, functional, and spatial information, amino acid conservation, physicochemical variation, residue mobility, and thermodynamic stability) indicates that this missense variant is not expected to disrupt CCDC40 protein function with a negative predictive value of 80%. In summary, the available evidence is currently insufficient to determine the role of this variant in disease. Therefore, it has been classified as a Variant of Uncertain Significance.

NM_017950.4(CCDC40):c.1219A>G (p.Ile407Val)

Gene: CCDC40 (coiled-coil domain 40 molecular ruler complex subunit; plus strand). Cytogenetic location: 17q25.3.
Variant type: single nucleotide variant.
Coding change: c.1219A>G on transcript NM_017950.4 (MANE Select); coding-DNA position 1219, A replaced by G.
Protein change: p.Ile407Val; replaces isoleucine 407 with valine.
Molecular consequence: missense variant.
Genome position (GRCh38, 1-based): chr17:80,058,553, A>G. VCF-style: chr17-80058553-A-G. GRCh37 (hg19) VCF-style: chr17-78032352-A-G.
Other names: c.1219A>G, p.Ile407Val (NM_001243342.2, NM_001330508.2); short protein forms I407V.
Identifiers: ClinVar variation 4707852 (VCV004707852.1).
Genomic context (GRCh38, chr17:80,058,553, plus strand): 5'-GTGGCGGCTCTGCAGACTGAGATGGAGAACTTGGCCCTGCATCTCTTCTACATGCAGAAC[A>G]TCGACCAGGACATGCGTGACGACATCCGCGTGATGACACAAGTGGTAAAGAAGGCCGAGA-3'
Protein context (NP_060420.2, residues 397-417): LALHLFYMQN[Ile407Val]DQDMRDDIRV